The following is an entry in ClinVar:

NM_001367624.2(ZNF469):c.8378A>C (p.Asn2793Thr)

Gene: ZNF469 (zinc finger protein 469; plus strand). Cytogenetic location: 16q24.2.
Variant type: single nucleotide variant.
Coding change: c.8378A>C on transcript NM_001367624.2 (MANE Select); coding-DNA position 8378, A replaced by C.
Protein change: p.Asn2793Thr; replaces asparagine 2793 with threonine.
Molecular consequence: missense variant.
Genome position (GRCh38, 1-based): chr16:88,435,848, A>C. VCF-style: chr16-88435848-A-C. GRCh37 (hg19) VCF-style: chr16-88502256-A-C.
Other names: NM_001127464.1:c.8294A>C; short protein forms N2793T.
Identifiers: ClinVar variation 2564220 (VCV002564220.2), dbSNP rs2507599476, ClinGen allele CA397117568.

ClinVar aggregate classification (germline): Uncertain significance (1 of 4 stars; one submission).

Conditions:
Cardiovascular phenotype. Identifiers: MedGen CN230736.

Submission:

Ambry Genetics
Classification: Uncertain significance for Cardiovascular phenotype. Last evaluated: 2023-04-07. Review status: criteria provided, single submitter. Criteria: Ambry Variant Classification Scheme 2023. Collection method: clinical testing. Allele origin: germline.
Comment: The p.N2765T variant (also known as c.8294A>C), located in coding exon 2 of the ZNF469 gene, results from an A to C substitution at nucleotide position 8294. The asparagine at codon 2765 is replaced by threonine, an amino acid with similar properties. This amino acid position is conserved. In addition, this alteration is predicted to be tolerated by in silico analysis. Since supporting evidence is limited at this time, the clinical significance of this alteration remains unclear.